The following is an entry in ClinVar:

ClinVar aggregate classification (germline): Uncertain significance (1 of 4 stars; one submission).

Conditions:
Adenylosuccinate lyase deficiency (ADSLD). Also called: ADSL DEFICIENCY. Identifiers: Orphanet 46, MedGen C0268126, MONDO:0007068, OMIM 103050.

gnomAD v4.1: 1 of 1,613,160 alleles (0.000062%); highest among the groups gnomAD compares: East Asian, 0.0022%; no homozygotes.

Submission:

Labcorp Genetics (formerly Invitae), Labcorp
Classification: Uncertain significance for Adenylosuccinate lyase deficiency. Last evaluated: 2022-08-08. Review status: criteria provided, single submitter. Criteria: Invitae Variant Classification Sherloc (09022015). Collection method: clinical testing. Allele origin: germline.
Comment: This variant is not present in population databases (gnomAD no frequency). This variant has not been reported in the literature in individuals affected with ADSL-related conditions. Algorithms developed to predict the effect of sequence changes on RNA splicing suggest that this variant may disrupt the consensus splice site. In summary, the available evidence is currently insufficient to determine the role of this variant in disease. Therefore, it has been classified as a Variant of Uncertain Significance. This sequence change affects codon 33 of the ADSL mRNA. It is a 'silent' change, meaning that it does not change the encoded amino acid sequence of the ADSL protein.

NM_000026.4(ADSL):c.97A>C (p.Arg33=)

Gene: ADSL (adenylosuccinate lyase; plus strand). Cytogenetic location: 22q13.1.
Variant type: single nucleotide variant.
Coding change: c.97A>C on transcript NM_000026.4 (MANE Select); coding-DNA position 97, A replaced by C.
Protein change: p.Arg33=; no amino-acid change (arginine 33 retained).
Molecular consequence: synonymous variant. On other transcripts: 5 prime UTR variant (1), non-coding transcript variant (1).
Genome position (GRCh38, 1-based): chr22:40,346,655, A>C. VCF-style: chr22-40346655-A-C. GRCh37 (hg19) VCF-style: chr22-40742659-A-C.
Other names: c.97A>C, p.Arg33= (NM_001123378.3, NM_001363840.3, NM_001410812.1 and 2 more transcripts); c.-41A>C (NM_001317923.2).
Identifiers: ClinVar variation 2003155 (VCV002003155.4), dbSNP rs1180410315, ClinGen allele CA514611949.